The following is an entry in ClinVar:

NM_003072.5(SMARCA4):c.422C>T (p.Ser141Leu)

Gene: SMARCA4 (SWI/SNF related BAF chromatin remodeling complex subunit ATPase 4; plus strand). Cytogenetic location: 19p13.2.
Variant type: single nucleotide variant.
Coding change: c.422C>T on transcript NM_003072.5 (MANE Select); coding-DNA position 422, C replaced by T.
Protein change: p.Ser141Leu; replaces serine 141 with leucine.
Molecular consequence: missense variant. On other transcripts: non-coding transcript variant (1).
Genome position (GRCh38, 1-based): chr19:10,986,255, C>T. VCF-style: chr19-10986255-C-T. GRCh37 (hg19) VCF-style: chr19-11096931-C-T.
Other names: c.422C>T, p.Ser141Leu (NM_001128844.3, NM_001128845.2, NM_001128846.2 and 5 more transcripts); short protein forms S141L.
Identifiers: ClinVar variation 408627 (VCV000408627.18), dbSNP rs1060502073, ClinGen allele CA16615858.

ClinVar aggregate classification (germline): Uncertain significance. Review status: criteria provided, multiple submitters, no conflicts (2 of 4 stars). 5 submissions from 5 submitters: Uncertain significance (5). Last evaluated 2025-04-17.

Conditions:
Hereditary cancer-predisposing syndrome. Also called: Hereditary Cancer Syndrome; Hereditary neoplastic syndrome; Neoplastic Syndromes, Hereditary; Tumor predisposition. Identifiers: Orphanet 140162, MedGen C0027672, MeSH D009386, MONDO:0015356.
Rhabdoid tumor predisposition syndrome 2 (RTPS2). Identifiers: Orphanet 231108, Orphanet 69077, MedGen C2750074, MONDO:0013224, OMIM 613325.
Intellectual disability, autosomal dominant 16 (CSS4). Also called: COFFIN-SIRIS SYNDROME 4. Identifiers: Orphanet 1465, MedGen C3553249, MONDO:0013821, OMIM 614609.

Allele frequency attached by ClinVar (database versions not stated): gnomAD 0.00001; gnomAD exomes 0.00001; TOPMed 0.00001.
gnomAD v4.1: 12 of 1,613,762 alleles (0.00074%); highest among the groups gnomAD compares: Admixed American, 0.0017%; no homozygotes.

Submissions (5):

Ambry Genetics
Classification: Uncertain significance for Hereditary cancer-predisposing syndrome. Last evaluated: 2025-04-17. Review status: criteria provided, single submitter. Criteria: Ambry Variant Classification Scheme 2023. Collection method: clinical testing. Allele origin: germline.
Comment: The p.S141L variant (also known as c.422C>T), located in coding exon 3 of the SMARCA4 gene, results from a C to T substitution at nucleotide position 422. The serine at codon 141 is replaced by leucine, an amino acid with dissimilar properties. This variant has been detected in multiple individuals with no reported features of Coffin-Siris syndrome (Ambry internal data). This amino acid position is well conserved in available vertebrate species. In addition, the in silico prediction for this alteration is inconclusive. Based on the supporting evidence, the association of this alteration with rhabdoid tumor predisposition syndrome is unknown; however, the association of this alteration with Coffin-Siris syndrome is unlikely.

Baylor Genetics
Classification: Uncertain significance for Rhabdoid tumor predisposition syndrome 2. Last evaluated: 2024-02-16. Review status: criteria provided, single submitter. Criteria: ACMG Guidelines, 2015. Collection method: clinical testing. Allele origin: unknown.

Labcorp Genetics (formerly Invitae), Labcorp
Classification: Uncertain significance for Rhabdoid tumor predisposition syndrome 2. Last evaluated: 2023-12-12. Review status: criteria provided, single submitter. Criteria: Invitae Variant Classification Sherloc (09022015). Collection method: clinical testing. Allele origin: germline.
Comment: This sequence change replaces serine, which is neutral and polar, with leucine, which is neutral and non-polar, at codon 141 of the SMARCA4 protein (p.Ser141Leu). This variant is present in population databases (no rsID available, gnomAD 0.003%). This variant has not been reported in the literature in individuals affected with SMARCA4-related conditions. ClinVar contains an entry for this variant (Variation ID: 408627). Advanced modeling of protein sequence and biophysical properties (such as structural, functional, and spatial information, amino acid conservation, physicochemical variation, residue mobility, and thermodynamic stability) has been performed at Invitae for this missense variant, however the output from this modeling did not meet the statistical confidence thresholds required to predict the impact of this variant on SMARCA4 protein function. In summary, the available evidence is currently insufficient to determine the role of this variant in disease. Therefore, it has been classified as a Variant of Uncertain Significance.

Genome-Nilou Lab
Classification: Uncertain significance for Intellectual disability, autosomal dominant 16. Last evaluated: 2021-07-15. Review status: criteria provided, single submitter. Criteria: ACMG Guidelines, 2015. Collection method: clinical testing. Allele origin: germline. Affected: no.

Fulgent Genetics
Classification: Uncertain significance for Rhabdoid tumor predisposition syndrome 2; Intellectual disability, autosomal dominant 16. Last evaluated: 2018-10-31. Review status: criteria provided, single submitter. Criteria: ACMG Guidelines, 2015. Collection method: clinical testing. Allele origin: unknown.